The following is an entry in ClinVar:

ClinVar aggregate classification (germline): Uncertain significance (1 of 4 stars; one submission).

Conditions:
Joubert syndrome. Also called: CEREBELLOPARENCHYMAL DISORDER IV; JOUBERT-BOLTSHAUSER SYNDROME; Familial aplasia of the vermis. Identifiers: Orphanet 475, MedGen C5979921, MONDO:0018772.
Meckel-Gruber syndrome. Also called: DYSENCEPHALIA SPLANCHNOCYSTICA; GRUBER SYNDROME; Dysencephalia splachnocystica. Identifiers: Orphanet 564, MedGen C0265215, MONDO:0018921.

Allele frequency attached by ClinVar (database versions not stated): gnomAD exomes below 0.00001.
gnomAD v4.1: 2 of 1,614,210 alleles (0.00012%); highest among the groups gnomAD compares: Non-Finnish European, 0.00017%; no homozygotes.

Submission:

Labcorp Genetics (formerly Invitae), Labcorp
Classification: Uncertain significance for Joubert syndrome; Meckel-Gruber syndrome. Last evaluated: 2022-07-09. Review status: criteria provided, single submitter. Criteria: Invitae Variant Classification Sherloc (09022015). Collection method: clinical testing. Allele origin: germline.
Comment: This sequence change replaces valine, which is neutral and non-polar, with aspartic acid, which is acidic and polar, at codon 532 of the TCTN1 protein (p.Val532Asp). This variant is not present in population databases (gnomAD no frequency). This variant has not been reported in the literature in individuals affected with TCTN1-related conditions. Algorithms developed to predict the effect of missense changes on protein structure and function (SIFT, PolyPhen-2, Align-GVGD) all suggest that this variant is likely to be disruptive. In summary, the available evidence is currently insufficient to determine the role of this variant in disease. Therefore, it has been classified as a Variant of Uncertain Significance.

NM_001082538.3(TCTN1):c.1595T>A (p.Val532Asp)

Gene: TCTN1 (tectonic family member 1; plus strand). Cytogenetic location: 12q24.11.
Variant type: single nucleotide variant.
Coding change: c.1595T>A on transcript NM_001082538.3 (MANE Select); coding-DNA position 1595, T replaced by A.
Protein change: p.Val532Asp; replaces valine 532 with aspartic acid.
Molecular consequence: missense variant. On other transcripts: non-coding transcript variant (1).
Genome position (GRCh38, 1-based): chr12:110,647,296, T>A. VCF-style: chr12-110647296-T-A. GRCh37 (hg19) VCF-style: chr12-111085101-T-A.
Other names: c.1580T>A, p.Val527Asp (NM_001082537.3); c.1412T>A, p.Val471Asp (NM_001173975.3); c.1268T>A, p.Val423Asp (NM_001173976.2); c.1433T>A, p.Val478Asp (NM_001319680.2); c.1046T>A, p.Val349Asp (NM_001319681.2); c.1538T>A, p.Val513Asp (NM_024549.6); short protein forms V532D, V478D, V471D, V423D, V513D, V349D, V527D.
Identifiers: ClinVar variation 1929094 (VCV001929094.5), dbSNP rs2548944702, ClinGen allele CA386695344.